The following is an entry in ClinVar:

ClinVar aggregate classification (germline): Uncertain significance (1 of 4 stars; one submission).

Conditions:
Cardiovascular phenotype. Identifiers: MedGen CN230736.

Submission:

Ambry Genetics
Classification: Uncertain significance for Cardiovascular phenotype. Last evaluated: 2025-05-03. Review status: criteria provided, single submitter. Criteria: Ambry Variant Classification Scheme 2023. Collection method: clinical testing. Allele origin: germline.
Comment: The p.M418V variant (also known as c.1252A>G), located in coding exon 8 of the TBX5 gene, results from an A to G substitution at nucleotide position 1252. The methionine at codon 418 is replaced by valine, an amino acid with highly similar properties. This amino acid position is conserved. In addition, this alteration is predicted to be tolerated by in silico analysis. Based on the available evidence, the clinical significance of this variant remains unclear.

NM_181486.4(TBX5):c.1252A>G (p.Met418Val)

Gene: TBX5 (T-box transcription factor 5; minus strand). Cytogenetic location: 12q24.21.
Variant type: single nucleotide variant.
Coding change: c.1252A>G on transcript NM_181486.4 (MANE Select); coding-DNA position 1252, A replaced by G.
Protein change: p.Met418Val; replaces methionine 418 with valine.
Molecular consequence: missense variant.
Genome position (GRCh38, 1-based): chr12:114,355,837, T>C on the plus strand (A>G on the coding strand, the complement: TBX5 is on the minus strand). VCF-style: chr12-114355837-T-C. GRCh37 (hg19) VCF-style: chr12-114793642-T-C.
Other names: c.1252A>G, p.Met418Val (NM_000192.3); c.1102A>G, p.Met368Val (NM_080717.4); short protein forms M368V, M418V.
Identifiers: ClinVar variation 3966306 (VCV003966306.1).